The following is an entry in ClinVar:

ClinVar aggregate classification (germline): Likely benign (0 of 4 stars; one submission).

Conditions:
A2M-related disorder. Also called: A2M-related condition.

Allele frequency attached by ClinVar (database versions not stated): ExAC 0.00008; gnomAD 0.00013; TOPMed 0.00025.
gnomAD v4.1: 123 of 1,559,498 alleles (0.0079%); highest among the groups gnomAD compares: Admixed American, 0.015%; no homozygotes.

Submission:

PreventionGenetics, part of Exact Sciences
Classification: Likely benign for A2M-related condition. Last evaluated: 2019-05-28. Review status: no assertion criteria provided. Collection method: clinical testing. Allele origin: germline.
Comment: This variant is classified as likely benign based on ACMG/AMP sequence variant interpretation guidelines (Richards et al. 2015 PMID: 25741868, with internal and published modifications).

NM_000014.6(A2M):c.1506G>A (p.Lys502=)

Genes: A2M (alpha-2-macroglobulin; minus strand), KLRG1 (killer cell lectin like receptor G1; plus strand). Cytogenetic location: 12p13.31.
Variant type: single nucleotide variant.
Coding change: c.1506G>A on transcript NM_000014.6 (MANE Select); coding-DNA position 1506, G replaced by A.
Protein change: p.Lys502=; no amino-acid change (lysine 502 retained).
Molecular consequence: synonymous variant.
Genome position (GRCh38, 1-based): chr12:9,101,196, C>T on the plus strand (G>A on the coding strand, the complement: A2M is on the minus strand). VCF-style: chr12-9101196-C-T. GRCh37 (hg19) VCF-style: chr12-9253792-C-T.
Other names: c.1506G>A, p.Lys502= (NM_001347423.2); c.1206G>A, p.Lys402= (NM_001347424.2); c.1056G>A, p.Lys352= (NM_001347425.2).
Identifiers: ClinVar variation 3038794 (VCV003038794.2), dbSNP rs750247006, ClinGen allele CA6438640.
Genomic context (GRCh38, chr12:9,101,196, plus strand): 5'-ATACTCACTGTCTTCCTGCTTCACAAGCAGTCCATGAGTCCCAGTTCGGACAATGCCTCC[C>T]TTTGCCATTATCTGCAAAAAAGGAAATAAAAAGAAATTAAATGTGCCAGAGAGAACACGC-3'
Protein context (NP_000005.3, residues 492-512): KLSFYYLIMA[Lys502=]GGIVRTGTHG